The following is an entry in ClinVar:

NM_001365951.3(KIF1B):c.4186C>T (p.Gln1396Ter)

Gene: KIF1B (kinesin family member 1B; plus strand). Cytogenetic location: 1p36.22.
Variant type: single nucleotide variant.
Coding change: c.4186C>T on transcript NM_001365951.3 (MANE Select); coding-DNA position 4186, C replaced by T.
Protein change: p.Gln1396Ter; replaces glutamine 1396 with a stop codon.
Molecular consequence: nonsense.
Genome position (GRCh38, 1-based): chr1:10,361,707, C>T. VCF-style: chr1-10361707-C-T. GRCh37 (hg19) VCF-style: chr1-10421765-C-T.
Other names: c.4186C>T, p.Gln1396Ter (NM_001365952.1); c.4048C>T, p.Gln1350Ter (NM_015074.3); short protein forms Q1396*, Q1350*.
Identifiers: ClinVar variation 3864088 (VCV003864088.1).
Genomic context (GRCh38, chr1:10,361,707, plus strand): 5'-GTACTCTGCCTGCACTTCATCAGCACCTACCCTGTCTGCTTTCAGCTGGATCATTGCATC[C>T]AGCCGGCTGTCATCACCAAGGATGTGTGCATGGTCTTCTACTCCCGAGATGCCAAGATCT-3'

ClinVar aggregate classification (germline): Uncertain significance (1 of 4 stars; one submission).

Submission:

Ambry Genetics
Classification: Uncertain significance. Last evaluated: 2025-02-20. Review status: criteria provided, single submitter. Criteria: Ambry Variant Classification Scheme 2023. Collection method: clinical testing. Allele origin: germline.
Comment: The p.Q1350* variant (also known as c.4048C>T), located in coding exon 37 of the KIF1B gene, results from a C to T substitution at nucleotide position 4048. This changes the amino acid from a glutamine to a stop codon within coding exon 37. This alteration is expected to result in loss of function by premature protein truncation or nonsense-mediated mRNA decay. The evidence for this gene-disease relationship is limited; therefore, the clinical significance of this alteration is unclear.